The following is an entry in ClinVar:

NM_000222.3(KIT):c.364del (p.Arg122fs)

Gene: KIT (KIT proto-oncogene, receptor tyrosine kinase; plus strand). Cytogenetic location: 4q12.
Variant type: Deletion.
Coding change: c.364del on transcript NM_000222.3 (MANE Select); coding-DNA position 364, one base deleted (C; older notation c.364delC).
Protein change: p.Arg122fs; shifts the reading frame from arginine 122.
Molecular consequence: frameshift variant.
Genome position (GRCh38, 1-based): chr4:54,698,310, C deleted; the last of 2 consecutive C bases (chr4:54,698,309-54,698,310); deleting either gives the same sequence. VCF-style (leftmost placement, unchanged base first): chr4-54698308-AC-A. GRCh37 (hg19) VCF-style: chr4-55564474-AC-A.
Other names: c.364del, p.Arg122fs (NM_001093772.2, NM_001385284.1, NM_001385285.1 and 4 more transcripts); short protein forms R122fs.
Identifiers: ClinVar variation 1405140 (VCV001405140.6), dbSNP rs2109671915, ClinGen allele CA2573137921.

ClinVar aggregate classification (germline): Pathogenic (1 of 4 stars; one submission).

Conditions:
Gastrointestinal stromal tumor. Also called: Gastrointestinal stroma tumor; Gastrointestinal stromal tumor, somatic. Identifiers: Orphanet 44890, MedGen C0238198, MeSH D046152, MONDO:0011719, OMIM 606764, HP:0100723.

Submission:

Labcorp Genetics (formerly Invitae), Labcorp
Classification: Pathogenic for Gastrointestinal stromal tumor. Last evaluated: 2021-05-13. Review status: criteria provided, single submitter. Criteria: Invitae Variant Classification Sherloc (09022015). Collection method: clinical testing. Allele origin: germline.
Comment: This sequence change creates a premature translational stop signal (p.Arg122Alafs*22) in the KIT gene. It is expected to result in an absent or disrupted protein product. Loss-of-function variants in KIT are known to be pathogenic (PMID: 15194144). This variant is not present in population databases (ExAC no frequency). This variant has not been reported in the literature in individuals with KIT-related conditions. For these reasons, this variant has been classified as Pathogenic.

Literature cited by the submitters: PubMed 15194144.